The following is an entry in ClinVar:

ClinVar aggregate classification (germline): Likely benign (1 of 4 stars; one submission).

Allele frequency attached by ClinVar (database versions not stated): ExAC 0.00002; gnomAD 0.00006; TOPMed 0.00006; gnomAD exomes 0.00007.
gnomAD v4.1: 80 of 1,209,261 alleles (0.0066%); highest among the groups gnomAD compares: Non-Finnish European, 0.0086%; no homozygotes.

Submission:

CeGaT Center for Human Genetics Tuebingen
Classification: Likely benign. Last evaluated: 2022-05-01. Review status: criteria provided, single submitter. Criteria: CeGaT Center For Human Genetics Tuebingen Variant Classification Criteria Version 2. Collection method: clinical testing. Allele origin: germline. Affected: yes. Observed: 1 variant allele.
Comment: ARSF: BP4, BP7

NM_001201539.2(ARSF):c.1041A>G (p.Gly347=)

Gene: ARSF (arylsulfatase F; plus strand). Cytogenetic location: Xp22.33.
Variant type: single nucleotide variant.
Coding change: c.1041A>G on transcript NM_001201539.2 (MANE Select); coding-DNA position 1041, A replaced by G.
Protein change: p.Gly347=; no amino-acid change (glycine 347 retained).
Molecular consequence: synonymous variant.
Genome position (GRCh38, 1-based): chrX:3,101,160, A>G. VCF-style: chrX-3101160-A-G. GRCh37 (hg19) VCF-style: chrX-3019201-A-G.
Other names: c.1041A>G, p.Gly347= (NM_001201538.2, NM_004042.5).
Identifiers: ClinVar variation 2659872 (VCV002659872.24), dbSNP rs202026384, ClinGen allele CA10339041.
Genomic context (GRCh38, chrX:3,101,160, plus strand): 5'-TGCTATCGATGATTTTGGCCTAAGGAACAACACCCTTGTCTACTTTACATCAGATCACGG[A>G]GGGCATTTGGAAGCTAGGCGAGGGCATGCCCAACTTGGTGGATGGAATGGAATATACAAA-3'
Protein context (NP_001188468.1, residues 337-357): NTLVYFTSDH[Gly347=]GHLEARRGHA